The following is an entry in ClinVar:

NM_000257.4(MYH7):c.3918C>T (p.Leu1306=)

Gene: MYH7 (myosin heavy chain 7; minus strand). Cytogenetic location: 14q11.2.
Variant type: single nucleotide variant.
Coding change: c.3918C>T on transcript NM_000257.4 (MANE Select); coding-DNA position 3918, C replaced by T.
Protein change: p.Leu1306=; no amino-acid change (leucine 1306 retained).
Molecular consequence: synonymous variant.
Genome position (GRCh38, 1-based): chr14:23,419,231, G>A on the plus strand (C>T on the coding strand, the complement: MYH7 is on the minus strand). VCF-style: chr14-23419231-G-A. GRCh37 (hg19) VCF-style: chr14-23888440-G-A.
Other names: p.L1306L:CTC>CTT; NM_000257.3(MYH7):c.3918C>T.
Identifiers: ClinVar variation 42980 (VCV000042980.38), dbSNP rs144420313, ClinGen allele CA014235.

ClinVar aggregate classification (germline): Benign. Review status: reviewed by expert panel (3 of 4 stars). 18 submissions from 16 submitters: Benign (1). 17 of the submissions do not count toward it. Last evaluated 2025-11-11.

Conditions:
Myosin storage myopathy (CMYO7A). Also called: MYH7-related late-onset scapuloperoneal muscular dystrophy; Congenital myopathy 7A, myosin storage, autosomal dominant; Scapuloperoneal myopathy, MYH7-related; MYOPATHY WITH LYSIS OF TYPE I MYOFIBRILS; SCAPULOPERONEAL MUSCULAR DYSTROPHY; SCAPULOPERONEAL SYNDROME, MYOPATHIC TYPE. Identifiers: Orphanet 437572, Orphanet 636965, MedGen C1842160, MONDO:0008409, OMIM 608358.
Cardiovascular phenotype. Identifiers: MedGen CN230736.
Cardiomyopathy (CMYO). Also called: Cardiomyopathies. Identifiers: Orphanet 167848, MedGen C0878544, MONDO:0004994, HP:0001638. Inheritance: Various modes of inheritance.
Hypertrophic cardiomyopathy 1 (CMH1). Also called: Familial hypertrophic cardiomyopathy 1; MYH7-Related Familial Hypertrophic Cardiomyopathy. Identifiers: MedGen C3495498, MONDO:0008647, OMIM 192600.
MYH7-related skeletal myopathy. Also called: Laing early-onset distal myopathy; MYOPATHY, DISTAL, EARLY-ONSET, AUTOSOMAL DOMINANT; MYOPATHY, LATE DISTAL HEREDITARY; Myopathy, distal, 1; Laing distal myopathy. Identifiers: Orphanet 59135, MedGen C4552004, MONDO:0008050, OMIM 160500.
Hypertrophic cardiomyopathy. Also called: HYPERTROPHIC MYOCARDIOPATHY. Identifiers: Orphanet 217569, MedGen C0007194, MeSH D002312, MONDO:0005045, HP:0001639.

Allele frequency attached by ClinVar (database versions not stated): ESP Exome Variant Server 0.00008; gnomAD exomes 0.00011 and 0.00063; TOPMed 0.00026; gnomAD 0.00030 and 0.00035; ExAC 0.00054; 1000 Genomes Project 0.00200; 1000 Genomes Project 30x 0.00203.
gnomAD v4.1: 225 of 1,614,184 alleles (0.014%); highest among the groups gnomAD compares: East Asian, 0.37%; 5 homozygotes.

Submissions (18):

ClinGen Cardiomyopathy Variant Curation Expert Panel
Classification: Benign for Hypertrophic cardiomyopathy. Last evaluated: 2025-11-11. Review status: reviewed by expert panel. Criteria: ClinGen CMP ACMG Specifications v1. Collection method: curation. Allele origin: germline. Inheritance: Autosomal dominant inheritance.
Comment: The filtering allele frequency of the c.3918C>T (p.Leu1306=) variant in the MYH7 gene is 0.55% (60/8654) of East Asian chromosomes by the Exome Aggregation Consortium, which is a high enough frequency to be classified as benign based on thresholds defined by the ClinGen Inherited Cardiomyopathy Expert Panel (BA1; PMID:29300372).

Labcorp Genetics (formerly Invitae), Labcorp
Classification: Benign for Hypertrophic cardiomyopathy. Last evaluated: 2026-01-28. Review status: criteria provided, single submitter. Criteria: Invitae Variant Classification Sherloc (09022015). Collection method: clinical testing. Allele origin: germline. Not counted in ClinVar's aggregate classification.

Molecular Diagnostic Laboratory for Inherited Cardiovascular Disease, Montreal Heart Institute
Classification: Benign. Last evaluated: 2025-04-09. Review status: criteria provided, single submitter. Criteria: ACMG Guidelines, 2015. Collection method: clinical testing. Allele origin: germline. Affected: no. Not counted in ClinVar's aggregate classification.

Women's Health and Genetics/Laboratory Corporation of America, LabCorp
Classification: Likely benign. Last evaluated: 2024-12-06. Review status: criteria provided, single submitter. Criteria: LabCorp Variant Classification Summary - May 2015. Collection method: clinical testing. Allele origin: germline. Not counted in ClinVar's aggregate classification.

Ambry Genetics
Classification: Likely benign for Cardiovascular phenotype. Last evaluated: 2024-02-28. Review status: criteria provided, single submitter. Criteria: Ambry Variant Classification Scheme 2023. Collection method: clinical testing. Allele origin: germline. Not counted in ClinVar's aggregate classification.

Blueprint Genetics
Classification: Likely benign. Last evaluated: 2024-02-12. Review status: criteria provided, single submitter. Criteria: ACMG Guidelines, 2015. Collection method: clinical testing. Allele origin: germline. Not counted in ClinVar's aggregate classification.

All of Us Research Program, National Institutes of Health
Classification: Benign for Cardiomyopathy. Last evaluated: 2024-01-11. Review status: criteria provided, single submitter. Criteria: ACMG Guidelines, 2015. Collection method: clinical testing. Allele origin: germline. Inheritance: Autosomal dominant inheritance. Observed: 50 variant alleles, 50 heterozygotes. Not counted in ClinVar's aggregate classification.
Comment: This study involves interpretation of variants in research participants for the purpose of population health screening. Participant phenotype was not available at the time of variant classification. Additional details can be found in publication PMID: 35346344, PMCID: PMC8962531

Color Diagnostics, LLC DBA Color Health
Classification: Benign for Cardiomyopathy. Last evaluated: 2018-08-05. Review status: criteria provided, single submitter. Criteria: ACMG Guidelines, 2015. Collection method: clinical testing. Allele origin: germline. Not counted in ClinVar's aggregate classification.

Illumina Laboratory Services, Illumina
Classification: Benign for MYH7-related skeletal myopathy. Last evaluated: 2018-01-13. Review status: criteria provided, single submitter. Criteria: ICSL Variant Classification Criteria 13 December 2019. Collection method: clinical testing. Allele origin: germline. Not counted in ClinVar's aggregate classification.
Comment: This variant was observed in the ICSL laboratory as part of a predisposition screen in an ostensibly healthy population. It had not been previously curated by ICSL or reported in the Human Gene Mutation Database (HGMD: prior to June 1st, 2018), and was therefore a candidate for classification through an automated scoring system. Utilizing variant allele frequency, disease prevalence and penetrance estimates, and inheritance mode, an automated score was calculated to assess if this variant is too frequent to cause the disease. Based on the score and internal cut-off values, a variant classified as benign is not then subjected to further curation. The score for this variant resulted in a classification of benign for this disease.

Illumina Laboratory Services, Illumina
Classification: Likely benign for Hypertrophic cardiomyopathy 1. Last evaluated: 2018-01-13. Review status: criteria provided, single submitter. Criteria: ICSL Variant Classification Criteria 13 December 2019. Collection method: clinical testing. Allele origin: germline. Not counted in ClinVar's aggregate classification.
Comment: This variant was observed in the ICSL laboratory as part of a predisposition screen in an ostensibly healthy population. It had not been previously curated by ICSL or reported in the Human Gene Mutation Database (HGMD: prior to June 1st, 2018), and was therefore a candidate for classification through an automated scoring system. Utilizing variant allele frequency, disease prevalence and penetrance estimates, and inheritance mode, an automated score was calculated to assess if this variant is too frequent to cause the disease. Based on the score and internal cut-off values, a variant classified as likely benign is not then subjected to further curation. The score for this variant resulted in a classification of likely benign for this disease.

Illumina Laboratory Services, Illumina
Classification: Likely benign for Myosin storage myopathy. Last evaluated: 2018-01-13. Review status: criteria provided, single submitter. Criteria: ICSL Variant Classification Criteria 13 December 2019. Collection method: clinical testing. Allele origin: germline. Not counted in ClinVar's aggregate classification.
Comment: the same text as in the submission from Illumina Laboratory Services, Illumina above.

GeneDx
Classification: Benign. Last evaluated: 2013-10-29. Review status: criteria provided, single submitter. Criteria: GeneDx Variant Classification (06012015). Collection method: clinical testing. Allele origin: germline. Affected: yes. Not counted in ClinVar's aggregate classification.
Comment: This variant is considered likely benign or benign based on one or more of the following criteria: it is a conservative change, it occurs at a poorly conserved position in the protein, it is predicted to be benign by multiple in silico algorithms, and/or has population frequency not consistent with disease.

Laboratory for Molecular Medicine, Mass General Brigham Personalized Medicine
Classification: Likely benign. Last evaluated: 2010-07-01. Review status: criteria provided, single submitter. Criteria: LMM Criteria. Collection method: clinical testing. Allele origin: germline. Observed: 1 variant allele. Not counted in ClinVar's aggregate classification.

PreventionGenetics, part of Exact Sciences
Classification: Benign. Review status: criteria provided, single submitter. Criteria: ACMG Guidelines, 2015. Collection method: clinical testing. Allele origin: germline. Not counted in ClinVar's aggregate classification.

Clinical Genetics DNA and cytogenetics Diagnostics Lab, Erasmus MC, Erasmus Medical Center
Classification: Likely benign. Review status: no assertion criteria provided. Collection method: clinical testing. Allele origin: germline. Affected: yes. Study: VKGL Data-share Consensus. Not counted in ClinVar's aggregate classification.

Clinical Genetics, Academic Medical Center
Classification: Benign. Review status: no assertion criteria provided. Collection method: clinical testing. Allele origin: germline. Affected: yes. Study: VKGL Data-share Consensus. Not counted in ClinVar's aggregate classification.

Diagnostic Laboratory, Department of Genetics, University Medical Center Groningen
Classification: Likely benign. Review status: no assertion criteria provided. Collection method: clinical testing. Allele origin: germline. Affected: yes. Study: VKGL Data-share Consensus. Not counted in ClinVar's aggregate classification.

Joint Genome Diagnostic Labs from Nijmegen and Maastricht, Radboudumc and MUMC+
Classification: Benign. Review status: no assertion criteria provided. Collection method: clinical testing. Allele origin: germline. Affected: yes. Study: VKGL Data-share Consensus. Not counted in ClinVar's aggregate classification.

Literature cited by the submitters: PubMed 29300372 (cited by ClinGen Cardiomyopathy Variant Curation Expert Panel).